The following is an entry in ClinVar:

NM_006214.4(PHYH):c.567C>G (p.Ile189Met)

Gene: PHYH (phytanoyl-CoA 2-hydroxylase; minus strand). Cytogenetic location: 10p13.
Variant type: single nucleotide variant.
Coding change: c.567C>G on transcript NM_006214.4 (MANE Select); coding-DNA position 567, C replaced by G.
Protein change: p.Ile189Met; replaces isoleucine 189 with methionine.
Molecular consequence: missense variant. On other transcripts: intron variant (1).
Genome position (GRCh38, 1-based): chr10:13,288,471, G>C on the plus strand (C>G on the coding strand, the complement: PHYH is on the minus strand). VCF-style: chr10-13288471-G-C. GRCh37 (hg19) VCF-style: chr10-13330471-G-C.
Other names: c.267C>G, p.Ile89Met (NM_001037537.2, NM_001323080.2); c.573C>G, p.Ile191Met (NM_001323082.2); c.273C>G, p.Ile91Met (NM_001323084.2); c.415-4632C>G (NM_001323083.2); c.567C>G (NM_006214.3); short protein forms I189M, I191M, I89M, I91M.
Identifiers: ClinVar variation 1005547 (VCV001005547.7), dbSNP rs563392018, ClinGen allele CA5412314.

ClinVar aggregate classification (germline): Uncertain significance. Review status: criteria provided, multiple submitters, no conflicts (2 of 4 stars). 2 submissions from 2 submitters: Uncertain significance (2). Last evaluated 2022-09-14.

Conditions:
Inborn genetic diseases. Identifiers: MedGen C0950123, MeSH D030342.

Allele frequency attached by ClinVar (database versions not stated): 1000 Genomes Project 0.00020; gnomAD exomes 0.00001; 1000 Genomes Project 30x 0.00016; ExAC 0.00002.
gnomAD v4.1: 16 of 1,614,214 alleles (0.00099%); highest among the groups gnomAD compares: South Asian, 0.012%; no homozygotes.

Submissions (2):

Ambry Genetics
Classification: Uncertain significance for Inborn genetic diseases. Last evaluated: 2022-09-14. Review status: criteria provided, single submitter. Criteria: Ambry Variant Classification Scheme 2023. Collection method: clinical testing. Allele origin: germline.

Labcorp Genetics (formerly Invitae), Labcorp
Classification: Uncertain significance. Last evaluated: 2021-09-01. Review status: criteria provided, single submitter. Criteria: Invitae Variant Classification Sherloc (09022015). Collection method: clinical testing. Allele origin: germline.
Comment: This sequence change replaces isoleucine with methionine at codon 189 of the PHYH protein (p.Ile189Met). The isoleucine residue is highly conserved and there is a small physicochemical difference between isoleucine and methionine. This variant is present in population databases (rs563392018, ExAC 0.01%). This variant has not been reported in the literature in individuals affected with PHYH-related conditions. Algorithms developed to predict the effect of missense changes on protein structure and function are either unavailable or do not agree on the potential impact of this missense change (SIFT: "Deleterious"; PolyPhen-2: "Possibly Damaging"; Align-GVGD: "Class C0"). In summary, the available evidence is currently insufficient to determine the role of this variant in disease. Therefore, it has been classified as a Variant of Uncertain Significance.